The following is an entry in ClinVar:

ClinVar aggregate classification (germline): Likely benign (1 of 4 stars; one submission).

Allele frequency attached by ClinVar (database versions not stated): gnomAD 0.01429 and 0.01526; 1000 Genomes Project 0.01637; TOPMed 0.01649; 1000 Genomes Project 30x 0.01765.
gnomAD v4.1: 2,146 of 151,992 alleles (1.4%); highest among the groups gnomAD compares: African/African-American, 4.9%; 47 homozygotes.

Submission:

GeneDx
Classification: Likely benign. Last evaluated: 2018-06-16. Review status: criteria provided, single submitter. Criteria: GeneDx Variant Classification (06012015). Collection method: clinical testing. Allele origin: germline. Affected: yes.
Comment: This variant is considered likely benign or benign based on one or more of the following criteria: it is a conservative change, it occurs at a poorly conserved position in the protein, it is predicted to be benign by multiple in silico algorithms, and/or has population frequency not consistent with disease.

NM_001267550.2(TTN):c.48312+173A>G

Genes: TTN (titin; minus strand), TTN-AS1 (TTN antisense RNA 1; plus strand). Cytogenetic location: 2q31.2.
Variant type: single nucleotide variant.
Coding change: c.48312+173A>G on transcript NM_001267550.2 (MANE Select); 173 bases into the intron after coding-DNA position 48312, A replaced by G.
Molecular consequence: intron variant.
Genome position (GRCh38, 1-based): chr2:178,616,306, T>C on the plus strand (A>G on the coding strand, the complement: TTN is on the minus strand). VCF-style: chr2-178616306-T-C. GRCh37 (hg19) VCF-style: chr2-179481033-T-C.
Other names: c.21117+173A>G (NM_003319.4); c.21693+173A>G (NM_133437.4); c.21492+173A>G (NM_133432.3); c.40608+173A>G (NM_133378.4); c.43389+173A>G (NM_001256850.1).
Identifiers: ClinVar variation 673001 (VCV000673001.1), dbSNP rs1429095, ClinGen allele CA60989236.